The following is an entry in ClinVar:

NM_172364.5(CACNA2D4):c.1204C>A (p.Leu402Ile)

Gene: CACNA2D4 (calcium voltage-gated channel auxiliary subunit alpha2delta 4; minus strand). Cytogenetic location: 12p13.33.
Variant type: single nucleotide variant.
Coding change: c.1204C>A on transcript NM_172364.5 (MANE Select); coding-DNA position 1204, C replaced by A.
Protein change: p.Leu402Ile; replaces leucine 402 with isoleucine.
Molecular consequence: missense variant.
Genome position (GRCh38, 1-based): chr12:1,884,836, G>T on the plus strand (C>A on the coding strand, the complement: CACNA2D4 is on the minus strand). VCF-style: chr12-1884836-G-T. GRCh37 (hg19) VCF-style: chr12-1994002-G-T.
Other names: short protein forms L402I.
Identifiers: ClinVar variation 3632368 (VCV003632368.2).

ClinVar aggregate classification (germline): Uncertain significance (1 of 4 stars; one submission).

Submission:

Labcorp Genetics (formerly Invitae), Labcorp
Classification: Uncertain significance. Last evaluated: 2025-01-29. Review status: criteria provided, single submitter. Criteria: Invitae Variant Classification Sherloc (09022015). Collection method: clinical testing. Allele origin: germline.
Comment: This sequence change replaces leucine, which is neutral and non-polar, with isoleucine, which is neutral and non-polar, at codon 402 of the CACNA2D4 protein (p.Leu402Ile). This variant is not present in population databases (gnomAD no frequency). This variant has not been reported in the literature in individuals affected with CACNA2D4-related conditions. An algorithm developed to predict the effect of missense changes on protein structure and function (PolyPhen-2) suggests that this variant is likely to be disruptive. In summary, the available evidence is currently insufficient to determine the role of this variant in disease. Therefore, it has been classified as a Variant of Uncertain Significance.